The following is an entry in ClinVar:

NM_001042492.3(NF1):c.531A>G (p.Ile177Met)

Gene: NF1 (neurofibromin 1; plus strand). Cytogenetic location: 17q11.2.
Variant type: single nucleotide variant.
Coding change: c.531A>G on transcript NM_001042492.3 (MANE Select); coding-DNA position 531, A replaced by G.
Protein change: p.Ile177Met; replaces isoleucine 177 with methionine.
Molecular consequence: missense variant.
Genome position (GRCh38, 1-based): chr17:31,169,942, A>G. VCF-style: chr17-31169942-A-G. GRCh37 (hg19) VCF-style: chr17-29496960-A-G.
Other names: c.531A>G, p.Ile177Met (NM_000267.4, NM_001128147.3); short protein forms I177M.
Identifiers: ClinVar variation 1746802 (VCV001746802.3), dbSNP rs2143707506, ClinGen allele CA398985112.
Genomic context (GRCh38, chr17:31,169,942, plus strand): 5'-ACTTTTTAGGTTACAGGAATTAACTGTTTGTTCAGAAGACAATGTTGATGTTCATGATAT[A>G]GAATTGTTACAGTATATCAATGTGGATTGTGCAAAATTAAAACGACTCCTGAAGGGTAAG-3'
Protein context (NP_001035957.1, residues 167-187): CSEDNVDVHD[Ile177Met]ELLQYINVDC

ClinVar aggregate classification (germline): Uncertain significance (1 of 4 stars; one submission).

Conditions:
Cardiovascular phenotype. Identifiers: MedGen CN230736.
Hereditary cancer-predisposing syndrome. Also called: Hereditary Cancer Syndrome; Neoplastic Syndromes, Hereditary; Tumor predisposition; Hereditary neoplastic syndrome. Identifiers: Orphanet 140162, MedGen C0027672, MeSH D009386, MONDO:0015356.

Submission:

Ambry Genetics
Classification: Uncertain significance for Cardiovascular phenotype; Hereditary cancer-predisposing syndrome. Last evaluated: 2025-10-02. Review status: criteria provided, single submitter. Criteria: Ambry Variant Classification Scheme 2023. Collection method: clinical testing. Allele origin: germline.
Comment: The p.I177M variant (also known as c.531A>G), located in coding exon 5 of the NF1 gene, results from an A to G substitution at nucleotide position 531. The isoleucine at codon 177 is replaced by methionine, an amino acid with highly similar properties. This amino acid position is conserved. In addition, the in silico prediction for this alteration is inconclusive. Since supporting evidence is limited at this time, the clinical significance of this alteration remains unclear.